The following is an entry in ClinVar:

ClinVar aggregate classification (germline): Benign/Likely benign. Review status: criteria provided, multiple submitters, no conflicts (2 of 4 stars). 3 submissions from 3 submitters: Benign (1); Likely benign (2). Last evaluated 2026-03-01.

Allele frequency attached by ClinVar (database versions not stated): gnomAD exomes 0.00024; ExAC 0.00097; 1000 Genomes Project 0.00100; 1000 Genomes Project 30x 0.00109; ESP Exome Variant Server 0.00135; gnomAD 0.00157 and 0.00168; TOPMed 0.00170.
gnomAD v4.1: 423 of 1,536,510 alleles (0.028%); highest among the groups gnomAD compares: African/African-American, 0.56%; 1 homozygote.

Submissions (3):

CeGaT Center for Human Genetics Tuebingen
Classification: Likely benign. Last evaluated: 2026-03-01. Review status: criteria provided, single submitter. Criteria: CeGaT Center For Human Genetics Tuebingen Variant Classification Criteria Version 2. Collection method: clinical testing. Allele origin: germline. Affected: yes. Observed: 1 variant allele.
Comment: CDK13: BP4, BP7, BS1

Labcorp Genetics (formerly Invitae), Labcorp
Classification: Benign. Last evaluated: 2025-12-19. Review status: criteria provided, single submitter. Criteria: Invitae Variant Classification Sherloc (09022015). Collection method: clinical testing. Allele origin: germline.

Blueprint Genetics
Classification: Likely benign. Last evaluated: 2024-09-16. Review status: criteria provided, single submitter. Criteria: ACMG Guidelines, 2015. Collection method: clinical testing. Allele origin: germline.

NM_003718.5(CDK13):c.891C>T (p.Pro297=)

Gene: CDK13 (cyclin dependent kinase 13; plus strand). Cytogenetic location: 7p14.1.
Variant type: single nucleotide variant.
Coding change: c.891C>T on transcript NM_003718.5 (MANE Select); coding-DNA position 891, C replaced by T.
Protein change: p.Pro297=; no amino-acid change (proline 297 retained).
Molecular consequence: synonymous variant.
Genome position (GRCh38, 1-based): chr7:39,951,532, C>T. VCF-style: chr7-39951532-C-T. GRCh37 (hg19) VCF-style: chr7-39991131-C-T.
Other names: c.891C>T, p.Pro297= (NM_031267.4).
Identifiers: ClinVar variation 735883 (VCV000735883.15), dbSNP rs374612677, ClinGen allele CA4228350.
Genomic context (GRCh38, chr7:39,951,532, plus strand): 5'-GGCCCACCGCAGCCGGACTAAGTCGTCCAAGGAGCCGCCTTCGGCCTACAAGGAACCGCC[C>T]AAGGCCTACCGGGAGGACAAGACCGAGCCTAAGGCCTACAGGCGGCGGCGGTCCCTCAGC-3'
Protein context (NP_003709.3, residues 287-307): KEPPSAYKEP[Pro297=]KAYREDKTEP